The following is an entry in ClinVar:

ClinVar aggregate classification (germline): Uncertain significance (1 of 4 stars; one submission).

Submission:

Labcorp Genetics (formerly Invitae), Labcorp
Classification: Uncertain significance. Last evaluated: 2025-03-31. Review status: criteria provided, single submitter. Criteria: Invitae Variant Classification Sherloc (09022015). Collection method: clinical testing. Allele origin: germline.
Comment: This variant, c.687_692del, results in the deletion of 2 amino acid(s) of the BMP7 protein (p.Ala230_Thr231del), but otherwise preserves the integrity of the reading frame. This variant is present in population databases (no rsID available, gnomAD 0.002%). This variant has not been reported in the literature in individuals affected with BMP7-related conditions. Experimental studies and prediction algorithms are not available or were not evaluated, and the functional significance of this variant is currently unknown. In summary, the available evidence is currently insufficient to determine the role of this variant in disease. Therefore, it has been classified as a Variant of Uncertain Significance.

NM_001719.3(BMP7):c.687_692del (p.Ala230_Thr231del)

Gene: BMP7 (bone morphogenetic protein 7; minus strand). Cytogenetic location: 20q13.31.
Variant type: Deletion.
Coding change: c.687_692del on transcript NM_001719.3 (MANE Select); coding-DNA positions 687 to 692, 6 bases deleted (AGCCAC; older notation c.687_692delAGCCAC).
Protein change: p.Ala230_Thr231del.
Molecular consequence: inframe deletion.
Genome position (GRCh38, 1-based): chr20:57,202,543-57,202,548, GTGGCT deleted on the plus strand (AGCCAC on the coding strand, the reverse complement: BMP7 is on the minus strand); deleting any 6 consecutive bases within chr20:57,202,543-57,202,551 gives the same sequence; the c. name uses the placement nearest the transcript's 3' end. VCF-style (leftmost placement, unchanged base first): chr20-57202542-GGTGGCT-G. GRCh37 (hg19) VCF-style: chr20-55777598-GGTGGCT-G.
Identifiers: ClinVar variation 4738846 (VCV004738846.1).